The following is an entry in ClinVar:

ClinVar aggregate classification (germline): Uncertain significance (1 of 4 stars; one submission).

gnomAD v4.1: 1 of 1,614,232 alleles (0.000062%); highest among the groups gnomAD compares: Non-Finnish European, 0.000085%; no homozygotes.

Submission:

Labcorp Genetics (formerly Invitae), Labcorp
Classification: Uncertain significance. Last evaluated: 2024-08-07. Review status: criteria provided, single submitter. Criteria: Invitae Variant Classification Sherloc (09022015). Collection method: clinical testing. Allele origin: germline.
Comment: This sequence change replaces leucine, which is neutral and non-polar, with valine, which is neutral and non-polar, at codon 98 of the GSN protein (p.Leu98Val). This variant is not present in population databases (gnomAD no frequency). This variant has not been reported in the literature in individuals affected with GSN-related conditions. An algorithm developed to predict the effect of missense changes on protein structure and function (PolyPhen-2) suggests that this variant is likely to be disruptive. In summary, the available evidence is currently insufficient to determine the role of this variant in disease. Therefore, it has been classified as a Variant of Uncertain Significance.

NM_198252.3(GSN):c.139C>G (p.Leu47Val)

Gene: GSN (gelsolin; plus strand). Cytogenetic location: 9q33.2.
Variant type: single nucleotide variant.
Coding change: c.139C>G on transcript NM_198252.3 (MANE Select); coding-DNA position 139, C replaced by G.
Protein change: p.Leu47Val; replaces leucine 47 with valine.
Molecular consequence: missense variant. On other transcripts: intron variant (1).
Genome position (GRCh38, 1-based): chr9:121,302,110, C>G. VCF-style: chr9-121302110-C-G. GRCh37 (hg19) VCF-style: chr9-124064388-C-G.
Other names: c.139C>G, p.Leu47Val (NM_001353059.2, NM_001353060.2, NM_001353061.2 and 10 more transcripts); c.172C>G, p.Leu58Val (NM_001353063.2, NM_001353064.2, NM_001353065.2 and 13 more transcripts); c.211C>G, p.Leu71Val (NM_001353076.2); c.292C>G, p.Leu98Val (NM_000177.5); c.247C>G, p.Leu83Val (NM_001127663.2); c.190C>G, p.Leu64Val (NM_001258029.2); c.163C>G, p.Leu55Val (NM_001258030.2); c.-458-801C>G (NM_001353078.2); short protein forms L64V, L55V, L58V, L83V, L71V, L98V, L47V.
Identifiers: ClinVar variation 3689810 (VCV003689810.2).